The following is an entry in ClinVar:

NM_020937.4(FANCM):c.474_479del (p.Met158_Gly159del)

Gene: FANCM (FA complementation group M; plus strand). Cytogenetic location: 14q21.2.
Variant type: Deletion.
Coding change: c.474_479del on transcript NM_020937.4 (MANE Select); coding-DNA positions 474 to 479, 6 bases deleted (GGGTAT; older notation c.474_479delGGGTAT).
Protein change: p.Met158_Gly159del.
Molecular consequence: inframe deletion.
Genome position (GRCh38, 1-based): chr14:45,136,505-45,136,510, GGGTAT deleted; deleting any 6 consecutive bases within chr14:45,136,503-45,136,510 gives the same sequence; the c. name uses the placement nearest the transcript's 3' end. VCF-style (leftmost placement, unchanged base first): chr14-45136502-GATGGGT-G. GRCh37 (hg19) VCF-style: chr14-45605705-GATGGGT-G.
Other names: c.474_479del, p.Met158_Gly159del (NM_001308133.2, NM_001308134.2).
Identifiers: ClinVar variation 2902404 (VCV002902404.3), dbSNP rs2503037160, ClinGen allele CA2624694961.

ClinVar aggregate classification (germline): Uncertain significance (1 of 4 stars; one submission).

Conditions:
Fanconi anemia (FA). Also called: Fanconi's anemia. Identifiers: Orphanet 84, MedGen C0015625, MeSH D005199, MONDO:0019391.

Submission:

Labcorp Genetics (formerly Invitae), Labcorp
Classification: Uncertain significance for Fanconi anemia. Last evaluated: 2023-07-07. Review status: criteria provided, single submitter. Criteria: Invitae Variant Classification Sherloc (09022015). Collection method: clinical testing. Allele origin: germline.
Comment: This variant, c.474_479del, results in the deletion of 2 amino acid(s) of the FANCM protein (p.Met158_Gly159del), but otherwise preserves the integrity of the reading frame. This variant is not present in population databases (gnomAD no frequency). This variant has not been reported in the literature in individuals affected with FANCM-related conditions. Experimental studies and prediction algorithms are not available or were not evaluated, and the functional significance of this variant is currently unknown. In summary, the available evidence is currently insufficient to determine the role of this variant in disease. Therefore, it has been classified as a Variant of Uncertain Significance.